The following is an entry in ClinVar:

ClinVar aggregate classification (germline): Uncertain significance. Review status: criteria provided, multiple submitters, no conflicts (2 of 4 stars). 4 submissions from 4 submitters: Uncertain significance (4). Last evaluated 2024-10-16.

Conditions:
Autosomal recessive ataxia, Beauce type. Also called: SYNE1-Related Autosomal Recessive Cerebellar Ataxia; Spinocerebellar ataxia, autosomal recessive 8; ATAXIA, RECESSIVE, OF BEAUCE; SYNE1 Deficiency. Identifiers: Orphanet 88644, MedGen C1853116, MONDO:0012549, OMIM 610743.
Emery-Dreifuss muscular dystrophy 4, autosomal dominant (EDMD4). Also called: EMERY-DREIFUSS MUSCULAR DYSTROPHY 4 WITH VARIABLE FEATURES. Identifiers: Orphanet 261, MedGen C2751807, MONDO:0013071, OMIM 612998.
Inborn genetic diseases. Identifiers: MedGen C0950123, MeSH D030342.

Allele frequency attached by ClinVar (database versions not stated): ExAC 0.00005; gnomAD 0.00001; TOPMed 0.00001; gnomAD exomes 0.00002 and 0.00004.
gnomAD v4.1: 32 of 1,614,020 alleles (0.002%); highest among the groups gnomAD compares: South Asian, 0.016%; no homozygotes.

Submissions (4):

Labcorp Genetics (formerly Invitae), Labcorp
Classification: Uncertain significance for Emery-Dreifuss muscular dystrophy 4, autosomal dominant; Autosomal recessive ataxia, Beauce type. Last evaluated: 2024-10-16. Review status: criteria provided, single submitter. Criteria: Invitae Variant Classification Sherloc (09022015). Collection method: clinical testing. Allele origin: germline.
Comment: This sequence change replaces arginine, which is basic and polar, with lysine, which is basic and polar, at codon 4088 of the SYNE1 protein (p.Arg4088Lys). This variant is present in population databases (rs762119902, gnomAD 0.02%). This variant has not been reported in the literature in individuals affected with SYNE1-related conditions. ClinVar contains an entry for this variant (Variation ID: 1503266). An algorithm developed to predict the effect of missense changes on protein structure and function (PolyPhen-2) suggests that this variant is likely to be disruptive. In summary, the available evidence is currently insufficient to determine the role of this variant in disease. Therefore, it has been classified as a Variant of Uncertain Significance.

Revvity Omics, Revvity
Classification: Uncertain significance. Last evaluated: 2023-09-05. Review status: criteria provided, single submitter. Criteria: ACMG Guidelines, 2015. Collection method: clinical testing. Allele origin: germline.

GeneDx
Classification: Uncertain significance. Last evaluated: 2022-03-24. Review status: criteria provided, single submitter. Criteria: GeneDx Variant Classification Process June 2021. Collection method: clinical testing. Allele origin: germline. Affected: yes.
Comment: In silico analysis supports that this missense variant does not alter protein structure/function; Has not been previously published as pathogenic or benign to our knowledge

Ambry Genetics
Classification: Uncertain significance for Inborn genetic diseases. Last evaluated: 2021-07-13. Review status: criteria provided, single submitter. Criteria: Ambry Variant Classification Scheme 2023. Collection method: clinical testing. Allele origin: germline.

NM_182961.4(SYNE1):c.12476G>A (p.Arg4159Lys)

Gene: SYNE1 (spectrin repeat containing nuclear envelope protein 1; minus strand). Cytogenetic location: 6q25.2.
Variant type: single nucleotide variant.
Coding change: c.12476G>A on transcript NM_182961.4 (MANE Select); coding-DNA position 12476, G replaced by A.
Protein change: p.Arg4159Lys; replaces arginine 4159 with lysine.
Molecular consequence: missense variant.
Genome position (GRCh38, 1-based): chr6:152,336,893, C>T on the plus strand (G>A on the coding strand, the complement: SYNE1 is on the minus strand). VCF-style: chr6-152336893-C-T. GRCh37 (hg19) VCF-style: chr6-152658028-C-T.
Other names: c.12263G>A, p.Arg4088Lys (NM_033071.5); short protein forms R4088K, R4159K.
Identifiers: ClinVar variation 1503266 (VCV001503266.9), dbSNP rs762119902, ClinGen allele CA4056391.
Genomic context (GRCh38, chr6:152,336,893, plus strand): 5'-ATTCCCACCTTAACTTGTGAAACCATGTTCTGTGCAATGTTCAGCTCCAGCTCAGAGTGC[C>T]TCCTCTTCATGTTCTGCAGTTGCTGATCAGCATCTTGCAGGTAAATCCAGAGCTCAGACT-3'
Protein context (NP_892006.3, residues 4149-4169): ADQQLQNMKR[Arg4159Lys]HSELELNIAQ